The following is an entry in ClinVar:

ClinVar aggregate classification (germline): Uncertain significance (1 of 4 stars; one submission).

Conditions:
TTN-related disorder. Also called: TTN-related disorders; TTN-related condition; TTN-related disease.

Submission:

PreventionGenetics, part of Exact Sciences
Classification: Uncertain significance for TTN-related condition. Last evaluated: 2026-08-12. Review status: criteria provided, single submitter. Criteria: ACMG Guidelines, 2015. Collection method: clinical testing. Allele origin: germline.
Comment: The TTN c.38372G>A variant is predicted to result in the amino acid substitution p.Arg12791His. To our knowledge, this variant has not been reported in the literature. This variant is reported in 0.0057% of alleles in individuals of East Asian descent in gnomAD. At this time, the clinical significance of this variant is uncertain due to the absence of conclusive functional and genetic evidence.

NM_001267550.2(TTN):c.38372G>A (p.Arg12791His)

Gene: TTN (titin; minus strand). Cytogenetic location: 2q31.2.
Variant type: single nucleotide variant.
Coding change: c.38372G>A on transcript NM_001267550.2 (MANE Select); coding-DNA position 38372, G replaced by A.
Protein change: p.Arg12791His; replaces arginine 12791 with histidine.
Molecular consequence: missense variant. On other transcripts: intron variant (5).
Genome position (GRCh38, 1-based): chr2:178,654,216, C>T on the plus strand (G>A on the coding strand, the complement: TTN is on the minus strand). VCF-style: chr2-178654216-C-T. GRCh37 (hg19) VCF-style: chr2-179518943-C-T.
Other names: c.13283-11899G>A (NM_003319.4); c.13859-11899G>A (NM_133437.4); c.13658-11899G>A (NM_133432.3); c.31742-1675G>A (NM_133378.4); c.34523-1675G>A (NM_001256850.1); short protein forms R12791H.
Identifiers: ClinVar variation 4987124 (VCV004987124.1).